The following is an entry in ClinVar:

ClinVar aggregate classification (germline): Likely pathogenic (1 of 4 stars; one submission).

Conditions:
Developmental and epileptic encephalopathy 93. Also called: EPILEPTIC ENCEPHALOPATHY, INFANTILE OR EARLY CHILDHOOD, 3. Identifiers: MedGen C4693934, MONDO:0020632, OMIM 618012.

Allele frequency attached by ClinVar (database versions not stated): gnomAD exomes below 0.00001.
gnomAD v4.1: 1 of 1,614,050 alleles (0.000062%); highest among the groups gnomAD compares: Non-Finnish European, 0.000085%; no homozygotes.

Submission:

Baylor Genetics
Classification: Likely pathogenic for Developmental and epileptic encephalopathy 93. Last evaluated: 2019-11-11. Review status: criteria provided, single submitter. Criteria: ACMG Guidelines, 2015. Collection method: clinical testing. Allele origin: de novo. Affected: yes.
Comment: This variant was determined to be likely pathogenic according to ACMG Guidelines, 2015 [PMID:25741868].

NM_001690.4(ATP6V1A):c.1649T>C (p.Met550Thr)

Gene: ATP6V1A (ATPase H+ transporting V1 subunit A; plus strand). Cytogenetic location: 3q13.31.
Variant type: single nucleotide variant.
Coding change: c.1649T>C on transcript NM_001690.4 (MANE Select); coding-DNA position 1649, T replaced by C.
Protein change: p.Met550Thr; replaces methionine 550 with threonine.
Molecular consequence: missense variant.
Genome position (GRCh38, 1-based): chr3:113,805,413, T>C. VCF-style: chr3-113805413-T-C. GRCh37 (hg19) VCF-style: chr3-113524260-T-C.
Other names: short protein forms M550T.
Identifiers: ClinVar variation 1029520 (VCV001029520.1), dbSNP rs1709263798, ClinGen allele CA353993360.